The following is an entry in ClinVar:

ClinVar aggregate classification (germline): Conflicting classifications of pathogenicity. Review status: criteria provided, conflicting classifications (1 of 4 stars). 3 submissions from 3 submitters: Uncertain significance (2); Likely benign (1). Last evaluated 2024-05-06.

Conditions:
Hereditary cancer-predisposing syndrome. Also called: Neoplastic Syndromes, Hereditary; Hereditary Cancer Syndrome; Hereditary neoplastic syndrome; Tumor predisposition. Identifiers: Orphanet 140162, MedGen C0027672, MeSH D009386, MONDO:0015356.
Hereditary breast ovarian cancer syndrome. Also called: Hereditary breast and ovarian cancer syndrome (HBOC); Hereditary breast and ovarian cancer syndrome; Breast and ovarian cancer; Hereditary breast and/or ovarian cancer syndrome; Hereditary breast and ovarian cancer; BRCA1- and BRCA2-Associated Hereditary Breast and Ovarian Cancer. Identifiers: Orphanet 145, MedGen C0677776, MeSH D061325, MONDO:0003582. Disease mechanism: loss of function.

Submissions (3):

Labcorp Genetics (formerly Invitae), Labcorp
Classification: Uncertain significance for Hereditary breast ovarian cancer syndrome. Last evaluated: 2024-05-06. Review status: criteria provided, single submitter. Criteria: Invitae Variant Classification Sherloc (09022015). Collection method: clinical testing. Allele origin: germline.
Comment: This sequence change replaces lysine, which is basic and polar, with glutamic acid, which is acidic and polar, at codon 1536 of the BRCA2 protein (p.Lys1536Glu). This variant is not present in population databases (gnomAD no frequency). This variant has not been reported in the literature in individuals affected with BRCA2-related conditions. ClinVar contains an entry for this variant (Variation ID: 462351). Advanced modeling of protein sequence and biophysical properties (such as structural, functional, and spatial information, amino acid conservation, physicochemical variation, residue mobility, and thermodynamic stability) performed at Invitae indicates that this missense variant is not expected to disrupt BRCA2 protein function with a negative predictive value of 95%. In summary, the available evidence is currently insufficient to determine the role of this variant in disease. Therefore, it has been classified as a Variant of Uncertain Significance.

Ambry Genetics
Classification: Uncertain significance for Hereditary cancer-predisposing syndrome. Last evaluated: 2024-04-25. Review status: criteria provided, single submitter. Criteria: Ambry Variant Classification Scheme 2023. Collection method: clinical testing. Allele origin: germline.
Comment: The p.K1536E variant (also known as c.4606A>G), located in coding exon 10 of the BRCA2 gene, results from an A to G substitution at nucleotide position 4606. The lysine at codon 1536 is replaced by glutamic acid, an amino acid with similar properties. This amino acid position is not well conserved in available vertebrate species. In addition, the in silico prediction for this alteration is inconclusive. Based on the available evidence, the clinical significance of this variant remains unclear.

University of Washington Department of Laboratory Medicine, University of Washington
Classification: Likely benign for Hereditary cancer-predisposing syndrome. Last evaluated: 2023-03-23. Review status: criteria provided, single submitter. Criteria: Dines et al. (Genet Med. 2020). Collection method: curation. Allele origin: germline.
Comment: Missense variant in a coldspot region where missense variants are very unlikely to be pathogenic (PMID:31911673).

BRCA2 exon 11 coldspot. Reclassification based on statistical prior probability.

NM_000059.4(BRCA2):c.4606A>G (p.Lys1536Glu)

Gene: BRCA2 (BRCA2 DNA repair associated; plus strand). Cytogenetic location: 13q13.1.
Variant type: single nucleotide variant.
Coding change: c.4606A>G on transcript NM_000059.4 (MANE Select); coding-DNA position 4606, A replaced by G.
Protein change: p.Lys1536Glu; replaces lysine 1536 with glutamic acid.
Molecular consequence: missense variant.
Genome position (GRCh38, 1-based): chr13:32,338,961, A>G. VCF-style: chr13-32338961-A-G. GRCh37 (hg19) VCF-style: chr13-32913098-A-G.
Other names: short protein forms K1536E.
Identifiers: ClinVar variation 462351 (VCV000462351.15), dbSNP rs1555283871, ClinGen allele CA387781989.